The following is an entry in ClinVar:

ClinVar aggregate classification (germline): Uncertain significance (1 of 4 stars; one submission).

Conditions:
Hereditary cancer-predisposing syndrome. Also called: Neoplastic Syndromes, Hereditary; Tumor predisposition; Hereditary neoplastic syndrome; Hereditary Cancer Syndrome. Identifiers: Orphanet 140162, MedGen C0027672, MeSH D009386, MONDO:0015356.

Submission:

Ambry Genetics
Classification: Uncertain significance for Hereditary cancer-predisposing syndrome. Last evaluated: 2026-09-01. Review status: criteria provided, single submitter. Criteria: Ambry Variant Classification Scheme 2023. Collection method: clinical testing. Allele origin: germline.
Comment: The p.H1119P variant (also known as c.3356A>C), located in coding exon 15 of the APC gene, results from an A to C substitution at nucleotide position 3356. The histidine at codon 1119 is replaced by proline, an amino acid with similar properties. This amino acid position is conserved. In addition, in silico predictors for this gene do not accurately predict pathogenicity. Based on the available evidence, the clinical significance of this variant remains unclear.

NM_000038.6(APC):c.3356A>C (p.His1119Pro)

Gene: APC (APC regulator of Wnt signaling pathway; plus strand). Cytogenetic location: 5q22.2.
Variant type: single nucleotide variant.
Coding change: c.3356A>C on transcript NM_000038.6 (MANE Select); coding-DNA position 3356, A replaced by C.
Protein change: p.His1119Pro; replaces histidine 1119 with proline.
Molecular consequence: missense variant. On other transcripts: non-coding transcript variant (2).
Genome position (GRCh38, 1-based): chr5:112,838,950, A>C. VCF-style: chr5-112838950-A-C. GRCh37 (hg19) VCF-style: chr5-112174647-A-C.
Other names: c.3053A>C, p.His1018Pro (NM_001354903.2, NM_001407458.1, NM_001407459.1 and 1 more transcripts); c.2978A>C, p.His993Pro (NM_001354904.2); c.2876A>C, p.His959Pro (NM_001354905.2); c.2507A>C, p.His836Pro (NM_001354906.2, NM_001407470.1); c.3440A>C, p.His1147Pro (NM_001407446.1); c.3410A>C, p.His1137Pro (NM_001407447.1, NM_001407448.1, NM_001407449.1 and 1 more transcripts); c.3356A>C, p.His1119Pro (NM_001407450.1, NM_001127510.3, NM_001354895.2); c.3335A>C, p.His1112Pro (NM_001407451.1); and 11 more; short protein forms H1018P, H1036P, H1112P, H959P, H1137P, H1147P, H990P, H1091P.
Identifiers: ClinVar variation 5024396 (VCV005024396.1).